The following is an entry in ClinVar:

NM_000238.4(KCNH2):c.1902C>T (p.Thr634=)

Gene: KCNH2 (potassium voltage-gated channel subfamily H member 2; minus strand). Cytogenetic location: 7q36.1.
Variant type: single nucleotide variant.
Coding change: c.1902C>T on transcript NM_000238.4 (MANE Select); coding-DNA position 1902, C replaced by T.
Protein change: p.Thr634=; no amino-acid change (threonine 634 retained).
Molecular consequence: synonymous variant. On other transcripts: non-coding transcript variant (2).
Genome position (GRCh38, 1-based): chr7:150,951,491, G>A on the plus strand (C>T on the coding strand, the complement: KCNH2 is on the minus strand). VCF-style: chr7-150951491-G-A. GRCh37 (hg19) VCF-style: chr7-150648579-G-A.
Other names: c.882C>T, p.Thr294= (NM_001204798.2, NM_172057.3); c.1614C>T, p.Thr538= (NM_001406753.1, NM_001406756.1); c.1725C>T, p.Thr575= (NM_001406755.1); c.1602C>T, p.Thr534= (NM_001406757.1); c.1902C>T, p.Thr634= (NM_172056.3).
Identifiers: ClinVar variation 3073344 (VCV003073344.3), dbSNP rs1213826124, ClinGen allele CA458871465.
Genomic context (GRCh38, chr7:150,951,491, plus strand): 5'-CCCCTGGGCACACTCACAGCCAATGAGCATGACGCAGATGGAGAAGATCTTCTCTGAGTT[G>A]GTGTTGGGAGAGACGTTGCCGAAGCCCACACTGGTGAGGCTGCTGAAGGTGAAGTAGAGC-3'
Protein context (NP_000229.1, residues 624-644): SVGFGNVSPN[Thr634=]NSEKIFSICV

ClinVar aggregate classification (germline): Conflicting classifications of pathogenicity. Review status: criteria provided, conflicting classifications (1 of 4 stars). 2 submissions from 2 submitters: Uncertain significance (1); Likely benign (1). Last evaluated 2024-04-12.

Conditions:
Long QT syndrome (LQTS). Identifiers: MedGen C0023976, MeSH D008133, MONDO:0002442. Disease mechanism: loss of function. Inheritance: Various modes of inheritance.

Allele frequency attached by ClinVar (database versions not stated): gnomAD exomes below 0.00001.
gnomAD v4.1: 1 of 1,614,250 alleles (0.000062%); highest among the groups gnomAD compares: Admixed American, 0.0017%; no homozygotes.

Submissions (2):

Labcorp Genetics (formerly Invitae), Labcorp
Classification: Likely benign for Long QT syndrome. Last evaluated: 2024-04-12. Review status: criteria provided, single submitter. Criteria: Invitae Variant Classification Sherloc (09022015). Collection method: clinical testing. Allele origin: germline.

All of Us Research Program, National Institutes of Health
Classification: Uncertain significance for Long QT syndrome. Last evaluated: 2023-09-04. Review status: criteria provided, single submitter. Criteria: ACMG Guidelines, 2015. Collection method: clinical testing. Allele origin: germline. Inheritance: Autosomal dominant inheritance. Observed: 1 variant allele, 1 heterozygote.
Comment: This variant is located in the KCNH2 protein. To our knowledge, functional studies have not been reported for this variant. This variant has not been reported in individuals affected with KCNH2-related disorders in the literature. This variant has been identified in 1/251458 chromosomes in the general population by the Genome Aggregation Database (gnomAD). The available evidence is insufficient to determine the role of this variant in disease conclusively. Therefore, this variant is classified as a Variant of Uncertain Significance.

This study involves interpretation of variants in research participants for the purpose of population health screening. Participant phenotype was not available at the time of variant classification. Additional details can be found in publication PMID: 35346344, PMCID: PMC8962531